The following is an entry in ClinVar:

ClinVar aggregate classification (germline): Benign. Review status: criteria provided, multiple submitters, no conflicts (2 of 4 stars). 4 submissions from 4 submitters: Benign (4). Last evaluated 2021-07-01.

Conditions:
Usher syndrome type 1F (USH1F). Also called: USHER SYNDROME, TYPE IF. Identifiers: Orphanet 231169, Orphanet 886, MedGen C1865885, MONDO:0011186, OMIM 602083.

Allele frequency attached by ClinVar (database versions not stated): gnomAD exomes 0.19783 and 0.19313; 1000 Genomes Project 30x 0.20191; gnomAD 0.20278 and 0.20073; 1000 Genomes Project 0.19768; TOPMed 0.21009; ExAC 0.21118; ESP Exome Variant Server 0.21078.
gnomAD v4.1: 311,135 of 1,602,738 alleles (19%); highest among the groups gnomAD compares: Middle Eastern, 24%; 30,982 homozygotes.

Submissions (4):

Genome-Nilou Lab
Classification: Benign for Usher syndrome type 1F. Last evaluated: 2021-07-01. Review status: criteria provided, single submitter. Criteria: ACMG Guidelines, 2015. Collection method: clinical testing. Allele origin: germline. Affected: no.

GeneDx
Classification: Benign. Last evaluated: 2018-06-14. Review status: criteria provided, single submitter. Criteria: GeneDx Variant Classification (06012015). Collection method: clinical testing. Allele origin: germline. Affected: yes.
Comment: This variant is considered likely benign or benign based on one or more of the following criteria: it is a conservative change, it occurs at a poorly conserved position in the protein, it is predicted to be benign by multiple in silico algorithms, and/or has population frequency not consistent with disease.

Breakthrough Genomics
Classification: Benign. Review status: criteria provided, single submitter. Criteria: ACMG Guidelines, 2015. Collection method: not provided. Allele origin: germline. Inheritance: Autosomal recessive inheritance. Affected: yes.

PreventionGenetics, part of Exact Sciences
Classification: Benign. Review status: criteria provided, single submitter. Criteria: ACMG Guidelines, 2015. Collection method: clinical testing. Allele origin: germline.

NM_001384140.1(PCDH15):c.319-31T>C

Gene: PCDH15 (protocadherin related 15; minus strand). Cytogenetic location: 10q21.1.
Variant type: single nucleotide variant.
Coding change: c.319-31T>C on transcript NM_001384140.1 (MANE Select); 31 bases into the intron before coding-DNA position 319, T replaced by C.
Molecular consequence: intron variant.
Genome position (GRCh38, 1-based): chr10:54,369,306, A>G on the plus strand (T>C on the coding strand, the complement: PCDH15 is on the minus strand). VCF-style: chr10-54369306-A-G. GRCh37 (hg19) VCF-style: chr10-56129066-A-G.
Other names: c.319-31T>C (NM_001354420.2, NM_001354429.2, NM_001142772.2 and 8 more transcripts); c.334-31T>C (NM_001142771.2, NM_001142769.3, NM_001142763.2); c.253-31T>C (NM_001354404.2, NM_001142773.2, NM_001142768.2).
Identifiers: ClinVar variation 262150 (VCV000262150.6), dbSNP rs11594958, ClinGen allele CA5506725.